The following is an entry in ClinVar:

ClinVar aggregate classification (germline): Conflicting classifications of pathogenicity. Review status: criteria provided, conflicting classifications (1 of 4 stars). 2 submissions from 2 submitters: Likely pathogenic (1); Uncertain significance (1). Last evaluated 2025-10-20.

Conditions:
Glycine encephalopathy 1 (GCE1). Identifiers: MedGen CN376801, MONDO:0958179, OMIM 605899.
Glycine encephalopathy. Also called: Non-ketotic hyperglycinemia; Nonketotic hyperglycinemia. Identifiers: Orphanet 407, MedGen C0751748, MONDO:0011612, HP:0008288.

Allele frequency attached by ClinVar (database versions not stated): gnomAD 0.00001; TOPMed 0.00001.

Submissions (2):

Labcorp Genetics (formerly Invitae), Labcorp
Classification: Uncertain significance for Glycine encephalopathy. Last evaluated: 2025-10-20. Review status: criteria provided, single submitter. Criteria: Invitae Variant Classification Sherloc (09022015). Collection method: clinical testing. Allele origin: germline.
Comment: This sequence change replaces tyrosine, which is neutral and polar, with cysteine, which is neutral and slightly polar, at codon 133 of the GLDC protein (p.Tyr133Cys). This variant is not present in population databases (gnomAD no frequency). This variant has not been reported in the literature in individuals affected with GLDC-related conditions. ClinVar contains an entry for this variant (Variation ID: 1351450). Invitae Evidence Modeling of protein sequence and biophysical properties (such as structural, functional, and spatial information, amino acid conservation, physicochemical variation, residue mobility, and thermodynamic stability) indicates that this missense variant is expected to disrupt GLDC protein function with a positive predictive value of 95%. In summary, the available evidence is currently insufficient to determine the role of this variant in disease. Therefore, it has been classified as a Variant of Uncertain Significance.

Kariminejad - Najmabadi Pathology & Genetics Center
Classification: Likely pathogenic for Glycine encephalopathy 1. Review status: criteria provided, single submitter. Criteria: ACMG Guidelines, 2015. Collection method: clinical testing. Allele origin: germline. Affected: no.

NM_000170.3(GLDC):c.398A>G (p.Tyr133Cys)

Gene: GLDC (glycine decarboxylase; minus strand). Cytogenetic location: 9p24.1.
Variant type: single nucleotide variant.
Coding change: c.398A>G on transcript NM_000170.3 (MANE Select); coding-DNA position 398, A replaced by G.
Protein change: p.Tyr133Cys; replaces tyrosine 133 with cysteine.
Molecular consequence: missense variant.
Genome position (GRCh38, 1-based): chr9:6,620,256, T>C on the plus strand (A>G on the coding strand, the complement: GLDC is on the minus strand). VCF-style: chr9-6620256-T-C. GRCh37 (hg19) VCF-style: chr9-6620256-T-C.
Other names: short protein forms Y133C.
Identifiers: ClinVar variation 1351450 (VCV001351450.7), dbSNP rs751373832, ClinGen allele CA188655995.
Genomic context (GRCh38, chr9:6,620,256, plus strand): 5'-TCCAGTAAGTTCCGCAAAATCGTCTGTGGCACTGAGCAGTTATAATAGCCCATGCCAATA[T>C]ACGATCTCCAGATCTGGTTTTTGCTTGAAATGGCATGCAGAGTTGCAAGGATTTCATTTT-3'
Protein context (NP_000161.2, residues 123-143): ISSKNQIWRS[Tyr133Cys]IGMGYYNCSV